The following is an entry in ClinVar:

NM_000257.4(MYH7):c.2339G>C (p.Arg780Thr)

Genes: MYH7 (myosin heavy chain 7; minus strand), LOC126861898 (BRD4-independent group 4 enhancer GRCh37_chr14:23893609-23894808; plus strand). Cytogenetic location: 14q11.2.
Variant type: single nucleotide variant.
Coding change: c.2339G>C on transcript NM_000257.4 (MANE Select); coding-DNA position 2339, G replaced by C.
Protein change: p.Arg780Thr; replaces arginine 780 with threonine.
Molecular consequence: missense variant.
Genome position (GRCh38, 1-based): chr14:23,425,366, C>G on the plus strand (G>C on the coding strand, the complement: MYH7 is on the minus strand). VCF-style: chr14-23425366-C-G. GRCh37 (hg19) VCF-style: chr14-23894575-C-G.
Other names: c.2339G>C, p.Arg780Thr (NM_001407004.1); short protein forms R780T.
Identifiers: ClinVar variation 3775453 (VCV003775453.1).

ClinVar aggregate classification (germline): Uncertain significance (1 of 4 stars; one submission).

Conditions:
Hypertrophic cardiomyopathy 1 (CMH1). Also called: Familial hypertrophic cardiomyopathy 1; MYH7-Related Familial Hypertrophic Cardiomyopathy. Identifiers: MedGen C3495498, MONDO:0008647, OMIM 192600.

Submission:

3billion
Classification: Uncertain significance for Hypertrophic cardiomyopathy 1. Last evaluated: 2024-02-15. Review status: criteria provided, single submitter. Criteria: ACMG Guidelines, 2015. Collection method: clinical testing. Allele origin: germline. Affected: yes.
Comment: The variant is not observed in the gnomAD v2.1.1 dataset. Predicted Consequence/Location: The variant is located in a mutational hot spot and/or well-established functional domain in which established pathogenic variants have been reported (PMID: 29300372). In silico tool predictions suggest damaging effect of the variant on gene or gene product [REVEL: 0.63 (>=0.6, sensitivity 0.68 and specificity 0.92); 3Cnet: 0.92 (>=0.6, sensitivity 0.72 and precision 0.9)]. Therefore, this variant is classified as VUS according to the recommendation of ACMG/AMP guideline.